The following is an entry in ClinVar:

NM_004304.5(ALK):c.-1G>C

Gene: ALK (ALK receptor tyrosine kinase; minus strand). Cytogenetic location: 2p23.1.
Variant type: single nucleotide variant.
Coding change: c.-1G>C on transcript NM_004304.5 (MANE Select); 1 bases upstream of the start codon, G replaced by C.
Molecular consequence: 5 prime UTR variant.
Genome position (GRCh38, 1-based): chr2:29,920,660, C>G on the plus strand (G>C on the coding strand, the complement: ALK is on the minus strand). VCF-style: chr2-29920660-C-G. GRCh37 (hg19) VCF-style: chr2-30143526-C-G.
Identifiers: ClinVar variation 4272785 (VCV004272785.1).

ClinVar aggregate classification (germline): Uncertain significance (1 of 4 stars; one submission).

Conditions:
Hereditary cancer-predisposing syndrome. Also called: Hereditary Cancer Syndrome; Hereditary neoplastic syndrome; Neoplastic Syndromes, Hereditary; Tumor predisposition. Identifiers: Orphanet 140162, MedGen C0027672, MeSH D009386, MONDO:0015356.

gnomAD v4.1: 11 of 1,535,468 alleles (0.00072%); highest among the groups gnomAD compares: Non-Finnish European, 0.00096%; no homozygotes.

Submission:

Ambry Genetics
Classification: Uncertain significance for Hereditary cancer-predisposing syndrome. Last evaluated: 2025-08-08. Review status: criteria provided, single submitter. Criteria: Ambry Variant Classification Scheme 2023. Collection method: clinical testing. Allele origin: germline.
Comment: The c.-1G>C variant is located in the 5' untranslated region (5&rsquo; UTR) of the ALK gene. This variant results from a G to C substitution 1 bases upstream from the first translated codon. This nucleotide position is well conserved in available vertebrate species. Based on the available evidence, the clinical significance of this variant remains unclear.